The following is an entry in ClinVar:

NM_004360.5(CDH1):c.1473G>C (p.Lys491Asn)

Gene: CDH1 (cadherin 1; plus strand). Cytogenetic location: 16q22.1.
Variant type: single nucleotide variant.
Coding change: c.1473G>C on transcript NM_004360.5 (MANE Select); coding-DNA position 1473, G replaced by C.
Protein change: p.Lys491Asn; replaces lysine 491 with asparagine.
Molecular consequence: missense variant. On other transcripts: 5 prime UTR variant (2).
Genome position (GRCh38, 1-based): chr16:68,815,667, G>C. VCF-style: chr16-68815667-G-C. GRCh37 (hg19) VCF-style: chr16-68849570-G-C.
Other names: c.1290G>C, p.Lys430Asn (NM_001317184.2); c.-76G>C (NM_001317185.2); c.-347G>C (NM_001317186.2); short protein forms K430N, K491N.
Identifiers: ClinVar variation 5033989 (VCV005033989.1).

ClinVar aggregate classification (germline): Uncertain significance (1 of 4 stars; one submission).

Conditions:
Hereditary cancer-predisposing syndrome. Also called: Neoplastic Syndromes, Hereditary; Tumor predisposition; Hereditary neoplastic syndrome; Hereditary Cancer Syndrome. Identifiers: Orphanet 140162, MedGen C0027672, MeSH D009386, MONDO:0015356.

Submission:

Ambry Genetics
Classification: Uncertain significance for Hereditary cancer-predisposing syndrome. Last evaluated: 2026-07-07. Review status: criteria provided, single submitter. Criteria: Ambry Variant Classification Scheme 2023. Collection method: clinical testing. Allele origin: germline.
Comment: The p.K491N variant (also known as c.1473G>C), located in coding exon 10 of the CDH1 gene, results from a G to C substitution at nucleotide position 1473. The lysine at codon 491 is replaced by asparagine, an amino acid with similar properties. This amino acid position is conserved. In addition, this alteration is predicted to be tolerated by in silico analysis. Based on the available evidence, the clinical significance of this variant remains unclear.